The following is an entry in ClinVar:

ClinVar aggregate classification (germline): Uncertain significance. Review status: criteria provided, multiple submitters, no conflicts (2 of 4 stars). 3 submissions from 3 submitters: Uncertain significance (3). Last evaluated 2026-05-21.

Conditions:
ANKS6-related disorder. Also called: ANKS6-related condition.
Nephronophthisis 16 (NPHP16). Identifiers: Orphanet 655, MedGen C3809320, MONDO:0014158, OMIM 615382.

Submissions (3):

PreventionGenetics, part of Exact Sciences
Classification: Uncertain significance for ANKS6-related condition. Last evaluated: 2026-05-21. Review status: criteria provided, single submitter. Criteria: ACMG Guidelines, 2015. Collection method: clinical testing. Allele origin: germline.
Comment: The ANKS6 c.1166G>A variant is predicted to result in the amino acid substitution p.Arg389His. To our knowledge, this variant has not been reported in the literature. This variant is reported in 0.017% of alleles in individuals of East Asian descent in gnomAD. At this time, the clinical significance of this variant is uncertain due to the absence of conclusive functional and genetic evidence.

Fulgent Genetics
Classification: Uncertain significance for Nephronophthisis 16. Last evaluated: 2024-05-09. Review status: criteria provided, single submitter. Criteria: ACMG Guidelines, 2015. Collection method: clinical testing. Allele origin: germline.

Blueprint Genetics
Classification: Uncertain significance. Last evaluated: 2022-10-31. Review status: criteria provided, single submitter. Criteria: ACMG Guidelines, 2015. Collection method: clinical testing. Allele origin: germline.

NM_173551.5(ANKS6):c.1166G>A (p.Arg389His)

Gene: ANKS6 (ankyrin repeat and sterile alpha motif domain containing 6; minus strand). Cytogenetic location: 9q22.33.
Variant type: single nucleotide variant.
Coding change: c.1166G>A on transcript NM_173551.5 (MANE Select); coding-DNA position 1166, G replaced by A.
Protein change: p.Arg389His; replaces arginine 389 with histidine.
Molecular consequence: missense variant.
Genome position (GRCh38, 1-based): chr9:98,782,520, C>T on the plus strand (G>A on the coding strand, the complement: ANKS6 is on the minus strand). VCF-style: chr9-98782520-C-T. GRCh37 (hg19) VCF-style: chr9-101544802-C-T.
Other names: c.1166G>A (NM_173551.4); short protein forms R389H.
Identifiers: ClinVar variation 3596077 (VCV003596077.3).